The following is an entry in ClinVar:

NM_001256071.3(RNF213):c.14822T>G (p.Val4941Gly)

Genes: RNF213 (ring finger protein 213; plus strand), RNF213-AS1 (RNF213 antisense RNA 1; minus strand). Cytogenetic location: 17q25.3.
Variant type: single nucleotide variant.
Coding change: c.14822T>G on transcript NM_001256071.3 (MANE Select); coding-DNA position 14822, T replaced by G.
Protein change: p.Val4941Gly; replaces valine 4941 with glycine.
Molecular consequence: missense variant.
Genome position (GRCh38, 1-based): chr17:80,386,791, T>G. VCF-style: chr17-80386791-T-G. GRCh37 (hg19) VCF-style: chr17-78360591-T-G.
Other names: c.14969T>G, p.Val4990Gly (NM_001410195.1, NM_020914.5); short protein forms V4990G, V4941G.
Identifiers: ClinVar variation 2012410 (VCV002012410.4), dbSNP rs2511572182, ClinGen allele CA401382471.

ClinVar aggregate classification (germline): Uncertain significance (1 of 4 stars; one submission).

Submission:

Labcorp Genetics (formerly Invitae), Labcorp
Classification: Uncertain significance. Last evaluated: 2022-06-30. Review status: criteria provided, single submitter. Criteria: Invitae Variant Classification Sherloc (09022015). Collection method: clinical testing. Allele origin: germline.
Comment: In summary, the available evidence is currently insufficient to determine the role of this variant in disease. Therefore, it has been classified as a Variant of Uncertain Significance. Algorithms developed to predict the effect of missense changes on protein structure and function are either unavailable or do not agree on the potential impact of this missense change (SIFT: "Deleterious"; PolyPhen-2: "Probably Damaging"; Align-GVGD: "Class C0"). This variant has not been reported in the literature in individuals affected with RNF213-related conditions. This variant is not present in population databases (gnomAD no frequency). This sequence change replaces valine, which is neutral and non-polar, with glycine, which is neutral and non-polar, at codon 4941 of the RNF213 protein (p.Val4941Gly).